The following is an entry in ClinVar:

NM_001457.4(FLNB):c.5923C>G (p.Leu1975Val)

Gene: FLNB (filamin B; plus strand). Cytogenetic location: 3p14.3.
Variant type: single nucleotide variant.
Coding change: c.5923C>G on transcript NM_001457.4 (MANE Select); coding-DNA position 5923, C replaced by G.
Protein change: p.Leu1975Val; replaces leucine 1975 with valine.
Molecular consequence: missense variant.
Genome position (GRCh38, 1-based): chr3:58,148,684, C>G. VCF-style: chr3-58148684-C-G. GRCh37 (hg19) VCF-style: chr3-58134411-C-G.
Other names: c.6016C>G, p.Leu2006Val (NM_001164317.2); c.5890C>G, p.Leu1964Val (NM_001164318.2); c.5851C>G, p.Leu1951Val (NM_001164319.2); short protein forms L1951V, L1964V, L1975V, L2006V.
Identifiers: ClinVar variation 3375041 (VCV003375041.1).

ClinVar aggregate classification (germline): Uncertain significance (1 of 4 stars; one submission).

gnomAD v4.1: 1 of 1,614,140 alleles (0.000062%); highest among the groups gnomAD compares: Non-Finnish European, 0.000085%; no homozygotes.

Submission:

Women's Health and Genetics/Laboratory Corporation of America, LabCorp
Classification: Uncertain significance. Last evaluated: 2024-09-04. Review status: criteria provided, single submitter. Criteria: LabCorp Variant Classification Summary - May 2015. Collection method: clinical testing. Allele origin: germline.
Comment: Variant summary: FLNB c.5923C>G (p.Leu1975Val) results in a conservative amino acid change in the encoded protein sequence. Four of five in-silico tools predict a benign effect of the variant on protein function. The variant was absent in 251264 control chromosomes. The available data on variant occurrences in the general population are insufficient to allow any conclusion about variant significance. To our knowledge, no occurrence of c.5923C>G in individuals affected with Larsen Syndrome and no experimental evidence demonstrating its impact on protein function have been reported. No submitters have cited clinical-significance assessments for this variant to ClinVar. Based on the evidence outlined above, the variant was classified as uncertain significance.